The following is an entry in ClinVar:

ClinVar aggregate classification (germline): Likely benign. Review status: criteria provided, multiple submitters, no conflicts (2 of 4 stars). 2 submissions from 2 submitters: Likely benign (2). Last evaluated 2024-04-10.

Allele frequency attached by ClinVar (database versions not stated): gnomAD exomes below 0.00001; ExAC 0.00001; TOPMed 0.00002.

Submissions (2):

Labcorp Genetics (formerly Invitae), Labcorp
Classification: Likely benign. Last evaluated: 2024-04-10. Review status: criteria provided, single submitter. Criteria: Invitae Variant Classification Sherloc (09022015). Collection method: clinical testing. Allele origin: germline.

GeneDx
Classification: Likely benign. Last evaluated: 2017-11-03. Review status: criteria provided, single submitter. Criteria: GeneDx Variant Classification (06012015). Collection method: clinical testing. Allele origin: germline. Affected: yes.
Comment: This variant is considered likely benign or benign based on one or more of the following criteria: it is a conservative change, it occurs at a poorly conserved position in the protein, it is predicted to be benign by multiple in silico algorithms, and/or has population frequency not consistent with disease.

NM_022458.4(LMBR1):c.424-10dup

Gene: LMBR1 (limb development membrane protein 1; minus strand). Cytogenetic location: 7q36.3.
Variant type: Duplication.
Coding change: c.424-10dup on transcript NM_022458.4 (MANE Select); 10 bases into the intron before coding-DNA position 424, one base duplicated (T; older notation c.424-10dupT).
Molecular consequence: intron variant.
Genome position (GRCh38, 1-based): chr7:156,763,805, A duplicated on the plus strand (T on the coding strand, the reverse complement: LMBR1 is on the minus strand). VCF-style (leftmost placement, unchanged base first): chr7-156763804-T-TA. GRCh37 (hg19) VCF-style: chr7-156556498-T-TA.
Other names: c.361-10dup (NM_001363412.2); c.145-10dup (NM_001350954.2); c.424-10dup (NM_001363410.2, NM_001363409.2, NM_001350953.2); c.-33-10dup (NM_001350958.2, NM_001350956.2, NM_001350955.2 and 1 more transcripts); c.55-10dup (NM_001350957.2, NM_001363411.2); c.424-10dupT (NM_022458.3).
Identifiers: ClinVar variation 513276 (VCV000513276.3), dbSNP rs747149209, ClinGen allele CA4588123.